The following is an entry in ClinVar:

NM_025145.7(CFAP43):c.2051A>G (p.His684Arg)

Gene: CFAP43 (cilia and flagella associated protein 43; minus strand). Cytogenetic location: 10q25.1.
Variant type: single nucleotide variant.
Coding change: c.2051A>G on transcript NM_025145.7 (MANE Select); coding-DNA position 2051, A replaced by G.
Protein change: p.His684Arg; replaces histidine 684 with arginine.
Molecular consequence: missense variant.
Genome position (GRCh38, 1-based): chr10:104,185,106, T>C on the plus strand (A>G on the coding strand, the complement: CFAP43 is on the minus strand). VCF-style: chr10-104185106-T-C. GRCh37 (hg19) VCF-style: chr10-105944864-T-C.
Other names: short protein forms H684R.
Identifiers: ClinVar variation 161773 (VCV000161773.2), dbSNP rs193921081, ClinGen allele CA174757.
Genomic context (GRCh38, chr10:104,185,106, plus strand): 5'-TCTCTCCCATTCACCAGAATGTTTTGTCCATCCATTGAAATTCTCATTGACTGAATCCCA[T>C]GACCCTGGTGAGAATGACTCCGACACCAAGCAAATGTTTCCTCAATAGTTAAGAAATAAA-3'
Protein context (NP_079421.5, residues 674-694): AWCRSHSHQG[His684Arg]GIQSMRISMD

ClinVar aggregate classification (germline): Uncertain significance (0 of 4 stars; one submission).

Conditions:
Prostate cancer. Also called: Malignant tumor of prostate. Identifiers: Orphanet 1331, MedGen C0376358, MONDO:0008315, HP:0012125.

Allele frequency attached by ClinVar (database versions not stated): ExAC 0.00001; gnomAD exomes below 0.00001.

Submission:

Science for Life laboratory,  Karolinska Institutet
Classification: Uncertain significance for Malignant tumor of prostate. Review status: no assertion criteria provided. Collection method: not provided. Allele origin: somatic.
Comment: TumorID:SWE-90B
ClinVar note: Converted during submission from Unknown to Uncertain significance.